The following is an entry in ClinVar:

ClinVar aggregate classification (germline): Likely benign (1 of 4 stars; one submission).

Conditions:
NRP1-related disorder. Also called: NRP1-related condition.

Allele frequency attached by ClinVar (database versions not stated): gnomAD exomes 0.00001; ExAC 0.00002; TOPMed 0.00002.
gnomAD v4.1: 3 of 1,613,510 alleles (0.00019%); highest among the groups gnomAD compares: Admixed American, 0.005%; no homozygotes.

Submission:

PreventionGenetics, part of Exact Sciences
Classification: Likely benign for NRP1-related condition. Last evaluated: 2025-03-09. Review status: criteria provided, single submitter. Criteria: ACMG Guidelines, 2015. Collection method: clinical testing. Allele origin: germline.
Comment: This variant is classified as likely benign based on ACMG/AMP sequence variant interpretation guidelines (Richards et al. 2015 PMID: 25741868, with internal and published modifications).

NM_003873.7(NRP1):c.1626C>T (p.Gly542=)

Gene: NRP1 (neuropilin 1; minus strand). Cytogenetic location: 10p11.22.
Variant type: single nucleotide variant.
Coding change: c.1626C>T on transcript NM_003873.7 (MANE Select); coding-DNA position 1626, C replaced by T.
Protein change: p.Gly542=; no amino-acid change (glycine 542 retained).
Molecular consequence: synonymous variant. On other transcripts: non-coding transcript variant (1).
Genome position (GRCh38, 1-based): chr10:33,207,705, G>A on the plus strand (C>T on the coding strand, the complement: NRP1 is on the minus strand). VCF-style: chr10-33207705-G-A. GRCh37 (hg19) VCF-style: chr10-33496633-G-A.
Other names: c.1626C>T, p.Gly542= (NM_001024628.3, NM_001024629.3, NM_001244972.2 and 2 more transcripts).
Identifiers: ClinVar variation 2628514 (VCV002628514.2), dbSNP rs762826442, ClinGen allele CA5466554.